The following is an entry in ClinVar:

ClinVar aggregate classification (germline): Uncertain significance (1 of 4 stars; one submission).

Conditions:
Deficiency of alpha-mannosidase (MANSA). Also called: LYSOSOMAL ALPHA-D-MANNOSIDASE DEFICIENCY; Alpha-Mannosidosis; Mannosidosis, alpha-, types I and II. Identifiers: Orphanet 61, MedGen C0024748, MONDO:0009561, OMIM 248500.

Allele frequency attached by ClinVar (database versions not stated): gnomAD 0.00001; TOPMed 0.00001; gnomAD exomes 0.00004; ExAC 0.00008.
gnomAD v4.1: 25 of 1,614,082 alleles (0.0015%); highest among the groups gnomAD compares: Admixed American, 0.042%; no homozygotes.

Submission:

Labcorp Genetics (formerly Invitae), Labcorp
Classification: Uncertain significance for Deficiency of alpha-mannosidase. Last evaluated: 2022-08-15. Review status: criteria provided, single submitter. Criteria: Invitae Variant Classification Sherloc (09022015). Collection method: clinical testing. Allele origin: germline.
Comment: This sequence change replaces glycine, which is neutral and non-polar, with alanine, which is neutral and non-polar, at codon 390 of the MAN2B1 protein (p.Gly390Ala). This variant is present in population databases (rs774968464, gnomAD 0.07%). This variant has not been reported in the literature in individuals affected with MAN2B1-related conditions. Advanced modeling of protein sequence and biophysical properties (such as structural, functional, and spatial information, amino acid conservation, physicochemical variation, residue mobility, and thermodynamic stability) performed at Invitae indicates that this missense variant is expected to disrupt MAN2B1 protein function. In summary, the available evidence is currently insufficient to determine the role of this variant in disease. Therefore, it has been classified as a Variant of Uncertain Significance.

NM_000528.4(MAN2B1):c.1169G>C (p.Gly390Ala)

Gene: MAN2B1 (mannosidase alpha class 2B member 1; minus strand). Cytogenetic location: 19p13.13.
Variant type: single nucleotide variant.
Coding change: c.1169G>C on transcript NM_000528.4 (MANE Select); coding-DNA position 1169, G replaced by C.
Protein change: p.Gly390Ala; replaces glycine 390 with alanine.
Molecular consequence: missense variant.
Genome position (GRCh38, 1-based): chr19:12,658,285, C>G on the plus strand (G>C on the coding strand, the complement: MAN2B1 is on the minus strand). VCF-style: chr19-12658285-C-G. GRCh37 (hg19) VCF-style: chr19-12769099-C-G.
Other names: c.1166G>C, p.Gly389Ala (NM_001173498.2); short protein forms G390A, G389A.
Identifiers: ClinVar variation 2194190 (VCV002194190.1), dbSNP rs774968464, ClinGen allele CA9226559.